The following is an entry in ClinVar:

NM_033453.4(ITPA):c.521C>T (p.Ala174Val)

Gene: ITPA (inosine triphosphatase; plus strand). Cytogenetic location: 20p13.
Variant type: single nucleotide variant.
Coding change: c.521C>T on transcript NM_033453.4 (MANE Select); coding-DNA position 521, C replaced by T.
Protein change: p.Ala174Val; replaces alanine 174 with valine.
Molecular consequence: missense variant. On other transcripts: synonymous variant (4), non-coding transcript variant (2), intron variant (1).
Genome position (GRCh38, 1-based): chr20:3,223,398, C>T. VCF-style: chr20-3223398-C-T. GRCh37 (hg19) VCF-style: chr20-3204044-C-T.
Other names: c.398C>T, p.Ala133Val (NM_001267623.2); c.184C>T, p.Leu62= (NM_001324236.2, NM_001324237.2, NM_001324238.2 and 1 more transcripts); c.470C>T, p.Ala157Val (NM_181493.4); c.412-3285C>T (NM_001324240.2); short protein forms A174V, A133V, A157V.
Identifiers: ClinVar variation 464835 (VCV000464835.8), dbSNP rs148875609, ClinGen allele CA9741362.

ClinVar aggregate classification (germline): Uncertain significance (1 of 4 stars; one submission).

Conditions:
Inosine triphosphatase deficiency. Also called: INOSINE TRIPHOSPHATE PYROPHOSPHOHYDROLASE DEFICIENCY. Identifiers: MedGen C0342800, MONDO:0013461, OMIM 613850.

Allele frequency attached by ClinVar (database versions not stated): gnomAD 0.00005; gnomAD exomes 0.00005 and 0.00002; ExAC 0.00007; ESP Exome Variant Server 0.00015; TOPMed 0.00004.
gnomAD v4.1: 43 of 1,613,812 alleles (0.0027%); highest among the groups gnomAD compares: Middle Eastern, 0.016%; no homozygotes.

Submission:

Labcorp Genetics (formerly Invitae), Labcorp
Classification: Uncertain significance for Inosine triphosphatase deficiency. Last evaluated: 2023-12-11. Review status: criteria provided, single submitter. Criteria: Invitae Variant Classification Sherloc (09022015). Collection method: clinical testing. Allele origin: germline.
Comment: This sequence change replaces alanine, which is neutral and non-polar, with valine, which is neutral and non-polar, at codon 174 of the ITPA protein (p.Ala174Val). This variant is present in population databases (rs148875609, gnomAD 0.03%). This variant has not been reported in the literature in individuals affected with ITPA-related conditions. ClinVar contains an entry for this variant (Variation ID: 464835). Algorithms developed to predict the effect of missense changes on protein structure and function output the following: SIFT: "Not Available"; PolyPhen-2: "Benign"; Align-GVGD: "Not Available". The valine amino acid residue is found in multiple mammalian species, which suggests that this missense change does not adversely affect protein function. In summary, the available evidence is currently insufficient to determine the role of this variant in disease. Therefore, it has been classified as a Variant of Uncertain Significance.